The following is an entry in ClinVar:

NM_007294.4(BRCA1):c.68A>G (p.Glu23Gly)

Gene: BRCA1 (BRCA1 DNA repair associated; minus strand). Cytogenetic location: 17q21.31.
Variant type: single nucleotide variant.
Coding change: c.68A>G on transcript NM_007294.4 (MANE Select); coding-DNA position 68, A replaced by G.
Protein change: p.Glu23Gly; replaces glutamic acid 23 with glycine.
Molecular consequence: missense variant. On other transcripts: 5 prime UTR variant (1), non-coding transcript variant (1).
Genome position (GRCh38, 1-based): chr17:43,124,029, T>C on the plus strand (A>G on the coding strand, the complement: BRCA1 is on the minus strand). VCF-style: chr17-43124029-T-C. GRCh37 (hg19) VCF-style: chr17-41276046-T-C.
Other names: c.-121A>G (NM_001408507.1, NM_001408508.1, NM_001408509.1 and 46 more transcripts); c.-240A>G (NM_001408513.1, NM_001407917.1, NM_001407954.1); c.-20A>G (NM_007297.4, NM_001407698.1, NM_001407732.1 and 23 more transcripts); c.68A>G, p.Glu23Gly (NM_007298.4, NM_007299.4, NM_007300.4 and 193 more transcripts); c.-190A>G (NM_001407694.1, NM_001407724.1, NM_001407727.1 and 11 more transcripts); c.-194A>G (NM_001407695.1, NM_001408465.1); c.-335A>G (NM_001407696.1); c.-219A>G (NM_001407697.1, NM_001407846.1, NM_001407920.1); and 8 more; short protein forms E23G.
Identifiers: ClinVar variation 868754 (VCV000868754.3), dbSNP rs1597923307, ClinGen allele CA10602020.

Conditions:
Breast-ovarian cancer, familial, susceptibility to, 1 (BROVCA1). Also called: BRCA1 Hereditary Breast and Ovarian Cancer; OVARIAN CANCER, SUSCEPTIBILITY TO. Identifiers: Orphanet 145, MedGen C2676676, MONDO:0011450, OMIM 604370. Disease mechanism: loss of function.

Submission:

Brotman Baty Institute, University of Washington
No classification provided (evidence only). Condition: Breast-ovarian cancer, familial 1. Review status: no classification provided. Collection method: in vitro. Allele origin: not applicable. Functional consequence: function_uncertain_variant.
ClinVar note: "not provided" was previously submitted as the classification for the variant. However, the classification appeared to be based only on an observation of functional data so it was converted to no classification on 2025-07-30.